The following is an entry in ClinVar:

NM_015425.6(POLR1A):c.4422G>A (p.Pro1474=)

Gene: POLR1A (RNA polymerase I subunit A; minus strand). Cytogenetic location: 2p11.2.
Variant type: single nucleotide variant.
Coding change: c.4422G>A on transcript NM_015425.6 (MANE Select); coding-DNA position 4422, G replaced by A.
Protein change: p.Pro1474=; no amino-acid change (proline 1474 retained).
Molecular consequence: synonymous variant.
Genome position (GRCh38, 1-based): chr2:86,031,486, C>T on the plus strand (G>A on the coding strand, the complement: POLR1A is on the minus strand). VCF-style: chr2-86031486-C-T. GRCh37 (hg19) VCF-style: chr2-86258609-C-T.
Identifiers: ClinVar variation 3662020 (VCV003662020.8).

ClinVar aggregate classification (germline): Likely benign. Review status: criteria provided, multiple submitters, no conflicts (2 of 4 stars). 2 submissions from 2 submitters: Likely benign (2). Last evaluated 2025-11-01.

gnomAD v4.1: 260 of 1,614,142 alleles (0.016%); highest among the groups gnomAD compares: Non-Finnish European, 0.021%; no homozygotes.

Submissions (2):

CeGaT Center for Human Genetics Tuebingen
Classification: Likely benign. Last evaluated: 2025-11-01. Review status: criteria provided, single submitter. Criteria: CeGaT Center For Human Genetics Tuebingen Variant Classification Criteria Version 2. Collection method: clinical testing. Allele origin: germline. Affected: yes. Observed: 1 variant allele.
Comment: POLR1A: BP4, BP7

Labcorp Genetics (formerly Invitae), Labcorp
Classification: Likely benign. Last evaluated: 2025-08-10. Review status: criteria provided, single submitter. Criteria: Invitae Variant Classification Sherloc (09022015). Collection method: clinical testing. Allele origin: germline.